The following is an entry in ClinVar:

ClinVar aggregate classification (germline): Uncertain significance. Review status: criteria provided, multiple submitters, no conflicts (2 of 4 stars). 2 submissions from 2 submitters: Uncertain significance (2). Last evaluated 2023-12-20.

Allele frequency attached by ClinVar (database versions not stated): gnomAD 0.00001; gnomAD exomes 0.00001 and 0.00002; TOPMed 0.00002; ExAC 0.00003.
gnomAD v4.1: 21 of 1,612,504 alleles (0.0013%); highest among the groups gnomAD compares: Admixed American, 0.0033%; no homozygotes.

Submissions (2):

Ambry Genetics
Classification: Uncertain significance. Last evaluated: 2023-12-20. Review status: criteria provided, single submitter. Criteria: Ambry Variant Classification Scheme 2023. Collection method: clinical testing. Allele origin: germline.

Labcorp Genetics (formerly Invitae), Labcorp
Classification: Uncertain significance. Last evaluated: 2022-07-12. Review status: criteria provided, single submitter. Criteria: Invitae Variant Classification Sherloc (09022015). Collection method: clinical testing. Allele origin: germline.
Comment: This sequence change replaces isoleucine with valine at codon 447 of the NUP160 protein (p.Ile447Val). The isoleucine residue is moderately conserved and there is a small physicochemical difference between isoleucine and valine. This variant is present in population databases (rs772743697, gnomAD 0.006%). This variant has not been reported in the literature in individuals affected with NUP160-related conditions. ClinVar contains an entry for this variant (Variation ID: 1376653). Algorithms developed to predict the effect of missense changes on protein structure and function are either unavailable or do not agree on the potential impact of this missense change (SIFT: "Not Available"; PolyPhen-2: "Benign"; Align-GVGD: "Not Available"). In summary, the available evidence is currently insufficient to determine the role of this variant in disease. Therefore, it has been classified as a Variant of Uncertain Significance.

NM_015231.3(NUP160):c.1237A>G (p.Ile413Val)

Gene: NUP160 (nucleoporin 160; minus strand). Cytogenetic location: 11p11.2.
Variant type: single nucleotide variant.
Coding change: c.1237A>G on transcript NM_015231.3 (MANE Select); coding-DNA position 1237, A replaced by G.
Protein change: p.Ile413Val; replaces isoleucine 413 with valine.
Molecular consequence: missense variant. On other transcripts: non-coding transcript variant (1).
Genome position (GRCh38, 1-based): chr11:47,819,397, T>C on the plus strand (A>G on the coding strand, the complement: NUP160 is on the minus strand). VCF-style: chr11-47819397-T-C. GRCh37 (hg19) VCF-style: chr11-47840949-T-C.
Other names: c.1339A>G (NM_015231.1); short protein forms I413V.
Identifiers: ClinVar variation 1376653 (VCV001376653.7), dbSNP rs772743697, ClinGen allele CA5981356.